The following is an entry in ClinVar:

NM_006904.7(PRKDC):c.3222G>C (p.Lys1074Asn)

Gene: PRKDC (protein kinase, DNA-activated, catalytic subunit; minus strand). Cytogenetic location: 8q11.21.
Variant type: single nucleotide variant.
Coding change: c.3222G>C on transcript NM_006904.7 (MANE Select); coding-DNA position 3222, G replaced by C.
Protein change: p.Lys1074Asn; replaces lysine 1074 with asparagine.
Molecular consequence: missense variant.
Genome position (GRCh38, 1-based): chr8:47,902,616, C>G on the plus strand (G>C on the coding strand, the complement: PRKDC is on the minus strand). VCF-style: chr8-47902616-C-G. GRCh37 (hg19) VCF-style: chr8-48815176-C-G.
Other names: c.3222G>C, p.Lys1074Asn (NM_001081640.2); short protein forms K1074N.
Identifiers: ClinVar variation 1729095 (VCV001729095.2), dbSNP rs183986754, ClinGen allele CA371156593.
Genomic context (GRCh38, chr8:47,902,616, plus strand): 5'-GTAGCTTACAAACCTGAATTCCCTGTAGATATTATTAAAGGCAAGTGATGCTCCCAGCCT[C>G]TTGAAAGCATTGGGGTGAAGCGCAAGGCTATAAAGTCGCTTGAAAAGCGATTTGGTGTTT-3'
Protein context (NP_008835.5, residues 1064-1084): YSLALHPNAF[Lys1074Asn]RLGASLAFNN

ClinVar aggregate classification (germline): Uncertain significance (1 of 4 stars; one submission).

Submission:

Ambry Genetics
Classification: Uncertain significance. Last evaluated: 2022-08-22. Review status: criteria provided, single submitter. Criteria: Ambry Variant Classification Scheme 2023. Collection method: clinical testing. Allele origin: germline.
Comment: The p.K1074N variant (also known as c.3222G>C), located in coding exon 27 of the PRKDC gene, results from a G to C substitution at nucleotide position 3222. The lysine at codon 1074 is replaced by asparagine, an amino acid with similar properties. This amino acid position is conserved. In addition, this alteration is predicted to be tolerated by in silico analysis. Since supporting evidence is limited at this time, the clinical significance of this alteration remains unclear.